The following is an entry in ClinVar:

NM_000219.6(KCNE1):c.219C>G (p.His73Gln)

Gene: KCNE1 (potassium voltage-gated channel subfamily E regulatory subunit 1; minus strand). Cytogenetic location: 21q22.12.
Variant type: single nucleotide variant.
Coding change: c.219C>G on transcript NM_000219.6 (MANE Select); coding-DNA position 219, C replaced by G.
Protein change: p.His73Gln; replaces histidine 73 with glutamine.
Molecular consequence: missense variant.
Genome position (GRCh38, 1-based): chr21:34,449,416, G>C on the plus strand (C>G on the coding strand, the complement: KCNE1 is on the minus strand). VCF-style: chr21-34449416-G-C. GRCh37 (hg19) VCF-style: chr21-35821714-G-C.
Other names: c.219C>G, p.His73Gln (NM_001127668.4, NM_001127669.4, NM_001127670.4 and 4 more transcripts); short protein forms H73Q.
Identifiers: ClinVar variation 3374360 (VCV003374360.2).

Conditions:
Long QT syndrome 5 (LQT5). Identifiers: Orphanet 101016, Orphanet 768, MedGen C1867904, MONDO:0013372, OMIM 613695.

Submission:

Roden Lab, Vanderbilt University Medical Center
No classification provided (evidence only). Condition: Long QT syndrome 5. Review status: no classification provided. Collection method: in vitro. Allele origin: not applicable. Functional consequence: Effect on ion channel function.
ClinVar note: "not provided" was previously submitted as the classification for the variant. However, the classification appeared to be based only on an observation of functional data so it was converted to no classification on 2025-07-30.